The following is an entry in ClinVar:

NM_000722.4(CACNA2D1):c.2738C>T (p.Ala913Val)

Gene: CACNA2D1 (calcium voltage-gated channel auxiliary subunit alpha2delta 1; minus strand). Cytogenetic location: 7q21.11.
Variant type: single nucleotide variant.
Coding change: c.2738C>T on transcript NM_000722.4 (MANE Select); coding-DNA position 2738, C replaced by T.
Protein change: p.Ala913Val; replaces alanine 913 with valine.
Molecular consequence: missense variant.
Genome position (GRCh38, 1-based): chr7:81,964,098, G>A on the plus strand (C>T on the coding strand, the complement: CACNA2D1 is on the minus strand). VCF-style: chr7-81964098-G-A. GRCh37 (hg19) VCF-style: chr7-81593414-G-A.
Other names: c.2774C>T, p.Ala925Val (NM_001366867.1); short protein forms A925V, A913V.
Identifiers: ClinVar variation 1795370 (VCV001795370.2), dbSNP rs1168422279, ClinGen allele CA367884288.
Genomic context (GRCh38, chr7:81,964,098, plus strand): 5'-ACTAAAATTTTGACTTACCAGGCAGCAGCAGTGGCCCACCAGCCAATTTGTAATATGTCT[G>A]CTACTGATGGCTATAAAATAAAATAATAAGGTCATTTCAGTAGTCTACTTGATACTGAGG-3'
Protein context (NP_000713.2, residues 903-923): GHRSAYVPSV[Ala913Val]DILQIGWWAT

ClinVar aggregate classification (germline): Uncertain significance (1 of 4 stars; one submission).

Conditions:
Cardiovascular phenotype. Identifiers: MedGen CN230736.

gnomAD v4.1: 4 of 1,612,006 alleles (0.00025%); highest among the groups gnomAD compares: Admixed American, 0.0017%; no homozygotes.

Submission:

Ambry Genetics
Classification: Uncertain significance for Cardiovascular phenotype. Last evaluated: 2022-06-22. Review status: criteria provided, single submitter. Criteria: Ambry Variant Classification Scheme 2023. Collection method: clinical testing. Allele origin: germline.
Comment: The p.A913V variant (also known as c.2738C>T), located in coding exon 34 of the CACNA2D1 gene, results from a C to T substitution at nucleotide position 2738. The alanine at codon 913 is replaced by valine, an amino acid with similar properties. This amino acid position is conserved. In addition, the in silico prediction for this alteration is inconclusive. Since supporting evidence is limited at this time, the clinical significance of this alteration remains unclear.